The following is an entry in ClinVar:

ClinVar aggregate classification (germline): Uncertain significance (1 of 4 stars; one submission).

Conditions:
Propionic acidemia (PROP). Also called: GLYCINEMIA, KETOTIC; HYPERGLYCINEMIA WITH KETOACIDOSIS AND LEUKOPENIA; KETOTIC HYPERGLYCINEMIA. Identifiers: Orphanet 35, MedGen C0268579, MONDO:0011628, OMIM 606054, HP:0003571.

Allele frequency attached by ClinVar (database versions not stated): gnomAD exomes below 0.00001; gnomAD 0.00001; TOPMed 0.00002.

Submission:

Labcorp Genetics (formerly Invitae), Labcorp
Classification: Uncertain significance for Propionic acidemia. Last evaluated: 2022-05-04. Review status: criteria provided, single submitter. Criteria: Invitae Variant Classification Sherloc (09022015). Collection method: clinical testing. Allele origin: germline.
Comment: This sequence change affects the initiator methionine of the PCCA mRNA. The next in-frame methionine is located at codon 26. The frequency data for this variant in the population databases is considered unreliable, as metrics indicate poor data quality at this position in the gnomAD database. This variant has not been reported in the literature in individuals affected with PCCA-related conditions. Experimental studies and prediction algorithms are not available or were not evaluated, and the functional significance of this variant is currently unknown. In summary, the available evidence is currently insufficient to determine the role of this variant in disease. Therefore, it has been classified as a Variant of Uncertain Significance.

NM_000282.4(PCCA):c.1A>G (p.Met1Val)

Gene: PCCA (propionyl-CoA carboxylase subunit alpha; plus strand). Cytogenetic location: 13q32.3.
Variant type: single nucleotide variant.
Coding change: c.1A>G on transcript NM_000282.4 (MANE Select); coding-DNA position 1, A replaced by G.
Protein change: p.Met1Val; changes the start codon (methionine 1).
Molecular consequence: missense variant, initiator codon variant. On other transcripts: 5 prime UTR variant (3), non-coding transcript variant (5).
Genome position (GRCh38, 1-based): chr13:100,089,121, A>G. VCF-style: chr13-100089121-A-G. GRCh37 (hg19) VCF-style: chr13-100741375-A-G.
Other names: c.1A>G, p.Met1Val (NM_001127692.3, NM_001178004.2, NM_001352605.2 and 4 more transcripts); c.-866A>G (NM_001352610.2, NM_001352611.2, NM_001352612.2); short protein forms M1V.
Identifiers: ClinVar variation 2181890 (VCV002181890.3), dbSNP rs976571199, ClinGen allele CA255963362.